The following is an entry in ClinVar:

NM_014989.7(RIMS1):c.1891C>G (p.Leu631Val)

Gene: RIMS1 (regulating synaptic membrane exocytosis 1; plus strand). Cytogenetic location: 6q13.
Variant type: single nucleotide variant.
Coding change: c.1891C>G on transcript NM_014989.7 (MANE Select); coding-DNA position 1891, C replaced by G.
Protein change: p.Leu631Val; replaces leucine 631 with valine.
Molecular consequence: missense variant.
Genome position (GRCh38, 1-based): chr6:72,237,856, C>G. VCF-style: chr6-72237856-C-G. GRCh37 (hg19) VCF-style: chr6-72947559-C-G.
Other names: c.313C>G, p.Leu105Val (NM_001168407.2, NM_001168408.2, NM_001350414.2 and 37 more transcripts); c.70C>G, p.Leu24Val (NM_001168409.2, NM_001350461.2, NM_001350463.2 and 6 more transcripts); c.268C>G, p.Leu90Val (NM_001168410.2, NM_001350470.2, NM_001350472.2 and 2 more transcripts); c.244C>G, p.Leu82Val (NM_001350421.2, NM_001350424.2, NM_001350428.2 and 6 more transcripts); short protein forms L105V, L24V, L631V, L82V, L90V.
Identifiers: ClinVar variation 1008729 (VCV001008729.8), dbSNP rs2064905352, ClinGen allele CA364823791.
Genomic context (GRCh38, chr6:72,237,856, plus strand): 5'-GAAACTTATAAATTTGTAATTATCCAGGTTGTTGGAGGAAAAATGACTGACTTAGGACGA[C>G]TTGGTGCTTTCATCACCAAAGTAAAGAAGGGTAGCCTAGCAGATGTAGTTGGACACCTAA-3'
Protein context (NP_055804.2, residues 621-641): VGGKMTDLGR[Leu631Val]GAFITKVKKG

ClinVar aggregate classification (germline): Uncertain significance (1 of 4 stars; one submission).

Submission:

Labcorp Genetics (formerly Invitae), Labcorp
Classification: Uncertain significance. Last evaluated: 2020-09-09. Review status: criteria provided, single submitter. Criteria: Invitae Variant Classification Sherloc (09022015). Collection method: clinical testing. Allele origin: germline.
Comment: In summary, the available evidence is currently insufficient to determine the role of this variant in disease. Therefore, it has been classified as a Variant of Uncertain Significance. Algorithms developed to predict the effect of missense changes on protein structure and function (SIFT, PolyPhen-2, Align-GVGD) all suggest that this variant is likely to be disruptive, but these predictions have not been confirmed by published functional studies and their clinical significance is uncertain. This variant has not been reported in the literature in individuals with RIMS1-related conditions. This variant is not present in population databases (ExAC no frequency). This sequence change replaces leucine with valine at codon 631 of the RIMS1 protein (p.Leu631Val). The leucine residue is highly conserved and there is a small physicochemical difference between leucine and valine.